The following is an entry in ClinVar:

NM_170606.3(KMT2C):c.3509A>G (p.Lys1170Arg)

Gene: KMT2C (lysine methyltransferase 2C; minus strand). Cytogenetic location: 7q36.1.
Variant type: single nucleotide variant.
Coding change: c.3509A>G on transcript NM_170606.3 (MANE Select); coding-DNA position 3509, A replaced by G.
Protein change: p.Lys1170Arg; replaces lysine 1170 with arginine.
Molecular consequence: missense variant.
Genome position (GRCh38, 1-based): chr7:152,220,726, T>C on the plus strand (A>G on the coding strand, the complement: KMT2C is on the minus strand). VCF-style: chr7-152220726-T-C. GRCh37 (hg19) VCF-style: chr7-151917811-T-C.
Other names: short protein forms K1170R.
Identifiers: ClinVar variation 3369048 (VCV003369048.1).

ClinVar aggregate classification (germline): Uncertain significance (1 of 4 stars; one submission).

Submission:

GeneDx
Classification: Uncertain significance. Last evaluated: 2024-02-15. Review status: criteria provided, single submitter. Criteria: GeneDx Variant Classification Process June 2021. Collection method: clinical testing. Allele origin: germline. Affected: yes.
Comment: Not observed at significant frequency in large population cohorts (gnomAD); In silico analysis supports that this missense variant does not alter protein structure/function; Has not been previously published as pathogenic or benign to our knowledge